The following is an entry in ClinVar:

NM_000075.4(CDK4):c.36del (p.Ile12fs)

Gene: CDK4 (cyclin dependent kinase 4; minus strand). Cytogenetic location: 12q14.1.
Variant type: Deletion.
Coding change: c.36del on transcript NM_000075.4 (MANE Select); coding-DNA position 36, one base deleted (T; older notation c.36delT).
Protein change: p.Ile12fs; shifts the reading frame from isoleucine 12.
Molecular consequence: frameshift variant.
Genome position (GRCh38, 1-based): chr12:57,751,682, A deleted on the plus strand (T on the coding strand, the reverse complement: CDK4 is on the minus strand); the first of 2 consecutive A bases (chr12:57,751,682-57,751,683); deleting either gives the same sequence. VCF-style (leftmost placement, unchanged base first): chr12-57751681-CA-C. GRCh37 (hg19) VCF-style: chr12-58145464-CA-C.
Other names: short protein forms I12fs.
Identifiers: ClinVar variation 1370562 (VCV001370562.6), dbSNP rs2140388718, ClinGen allele CA2573148922.

ClinVar aggregate classification (germline): Uncertain significance (1 of 4 stars; one submission).

Conditions:
Familial melanoma. Also called: Hereditary melanoma; Hereditary cutaneous melanoma. Identifiers: Orphanet 618, MedGen C1512419, MONDO:0018961.

Submission:

Labcorp Genetics (formerly Invitae), Labcorp
Classification: Uncertain significance for Familial melanoma. Last evaluated: 2021-07-28. Review status: criteria provided, single submitter. Criteria: Invitae Variant Classification Sherloc (09022015). Collection method: clinical testing. Allele origin: germline.
Comment: This sequence change creates a premature translational stop signal (p.Ile12Metfs*26) in the CDK4 gene. It is expected to result in an absent or disrupted protein product. However, the current clinical and genetic evidence is not sufficient to establish whether loss-of-function variants in CDK4 cause disease. This variant is not present in population databases (ExAC no frequency). In summary, the available evidence is currently insufficient to determine the role of this variant in disease. Therefore, it has been classified as a Variant of Uncertain Significance. This variant has not been reported in the literature in individuals affected with CDK4-related conditions.